The following is an entry in ClinVar:

NM_002693.3(POLG):c.3425G>C (p.Arg1142Pro)

Gene: POLG (DNA polymerase gamma, catalytic subunit; minus strand). Cytogenetic location: 15q26.1.
Variant type: single nucleotide variant.
Coding change: c.3425G>C on transcript NM_002693.3 (MANE Select); coding-DNA position 3425, G replaced by C.
Protein change: p.Arg1142Pro; replaces arginine 1142 with proline.
Molecular consequence: missense variant.
Genome position (GRCh38, 1-based): chr15:89,318,598, C>G on the plus strand (G>C on the coding strand, the complement: POLG is on the minus strand). VCF-style: chr15-89318598-C-G. GRCh37 (hg19) VCF-style: chr15-89861829-C-G.
Other names: c.3425G>C, p.Arg1142Pro (NM_001126131.2); short protein forms R1142P.
Identifiers: ClinVar variation 4991518 (VCV004991518.1).
Genomic context (GRCh38, chr15:89,318,598, plus strand): 5'-TACCTGGTCAAGAGGTTGGTGATCTGCAAGGCCAGGGCAGCGCGGTAGCGGTCCTCCTCC[C>G]GCACCAGGTAGCGAACCTCGTCATGGATGCTGATGCAGAAGCGCCCATCTATGGCAAACT-3'
Protein context (NP_002684.1, residues 1132-1152): SIHDEVRYLV[Arg1142Pro]EEDRYRAALA

ClinVar aggregate classification (germline): Uncertain significance (1 of 4 stars; one submission).

Conditions:
POLG-related disorder. Also called: POLG-Related Spectrum Disorders; POLG-related condition; POLG-Related Disorders. Identifiers: MedGen C4763519.

gnomAD v4.1: 3 of 1,614,156 alleles (0.00019%); highest among the groups gnomAD compares: Non-Finnish European, 0.00025%; no homozygotes.

Submission:

PreventionGenetics, part of Exact Sciences
Classification: Uncertain significance for POLG-related condition. Last evaluated: 2026-02-27. Review status: criteria provided, single submitter. Criteria: ACMG Guidelines, 2015. Collection method: clinical testing. Allele origin: germline.
Comment: The POLG c.3425G>C variant is predicted to result in the amino acid substitution p.Arg1142Pro. To our knowledge, this variant has not been reported in the literature or in a large population database (gnomAD), indicating this variant is rare. At this time, the clinical significance of this variant is uncertain due to the absence of conclusive functional and genetic evidence.